The following is an entry in ClinVar:

NM_004168.4(SDHA):c.355T>C (p.Trp119Arg)

Gene: SDHA (succinate dehydrogenase complex flavoprotein subunit A; plus strand). Cytogenetic location: 5p15.33.
Variant type: single nucleotide variant.
Coding change: c.355T>C on transcript NM_004168.4 (MANE Select); coding-DNA position 355, T replaced by C.
Protein change: p.Trp119Arg; replaces tryptophan 119 with arginine.
Molecular consequence: missense variant. On other transcripts: intron variant (1).
Genome position (GRCh38, 1-based): chr5:225,461, T>C. VCF-style: chr5-225461-T-C. GRCh37 (hg19) VCF-style: chr5-225576-T-C.
Other names: c.355T>C, p.Trp119Arg (NM_001330758.2); c.313-422T>C (NM_001294332.2); c.355T>C (NM_004168.2); short protein forms W119R.
Identifiers: ClinVar variation 1045419 (VCV001045419.11), dbSNP rs1734957208, ClinGen allele CA359009275.

ClinVar aggregate classification (germline): Uncertain significance. Review status: criteria provided, multiple submitters, no conflicts (2 of 4 stars). 2 submissions from 2 submitters: Uncertain significance (2). Last evaluated 2026-06-02.

Conditions:
Hereditary cancer-predisposing syndrome. Also called: Tumor predisposition; Hereditary neoplastic syndrome; Neoplastic Syndromes, Hereditary; Hereditary Cancer Syndrome. Identifiers: Orphanet 140162, MedGen C0027672, MeSH D009386, MONDO:0015356.
Mitochondrial complex II deficiency, nuclear type 1. Also called: SUCCINATE CoQ REDUCTASE DEFICIENCY. Identifiers: Orphanet 3208, MedGen C5700310, MONDO:0100294, OMIM 252011.
Pheochromocytoma/paraganglioma syndrome 5. Also called: Paragangliomas 5; SDHA-Related Hereditary Paraganglioma-Pheochromocytoma Syndrome. Identifiers: Orphanet 29072, MedGen C3279992, MONDO:0013602, OMIM 614165.

Submissions (2):

Ambry Genetics
Classification: Uncertain significance for Hereditary cancer-predisposing syndrome. Last evaluated: 2026-06-02. Review status: criteria provided, single submitter. Criteria: Ambry Variant Classification Scheme 2023. Collection method: clinical testing. Allele origin: germline.
Comment: The p.W119R variant (also known as c.355T>C), located in coding exon 4 of the SDHA gene, results from a T to C substitution at nucleotide position 355. The tryptophan at codon 119 is replaced by arginine, an amino acid with dissimilar properties. This amino acid position is highly conserved in available vertebrate species. In addition, this alteration is predicted to be deleterious by in silico analysis. Based on the available evidence, the clinical significance of this variant remains unclear.

Labcorp Genetics (formerly Invitae), Labcorp
Classification: Uncertain significance for Pheochromocytoma/paraganglioma syndrome 5; Mitochondrial complex II deficiency, nuclear type 1. Last evaluated: 2021-07-19. Review status: criteria provided, single submitter. Criteria: Invitae Variant Classification Sherloc (09022015). Collection method: clinical testing. Allele origin: germline.
Comment: Algorithms developed to predict the effect of missense changes on protein structure and function (SIFT, PolyPhen-2, Align-GVGD) all suggest that this variant is likely to be disruptive, but these predictions have not been confirmed by published functional studies and their clinical significance is uncertain. In summary, the available evidence is currently insufficient to determine the role of this variant in disease. Therefore, it has been classified as a Variant of Uncertain Significance. This variant has not been reported in the literature in individuals with SDHA-related conditions. This sequence change replaces tryptophan with arginine at codon 119 of the SDHA protein (p.Trp119Arg). The tryptophan residue is highly conserved and there is a moderate physicochemical difference between tryptophan and arginine. This variant is not present in population databases (ExAC no frequency).